The following is an entry in ClinVar:

NM_000051.4(ATM):c.3403-15T>A

Gene: ATM (ATM serine/threonine kinase; plus strand). Cytogenetic location: 11q22.3.
Variant type: single nucleotide variant.
Coding change: c.3403-15T>A on transcript NM_000051.4 (MANE Select); 15 bases into the intron before coding-DNA position 3403, T replaced by A.
Molecular consequence: intron variant.
Genome position (GRCh38, 1-based): chr11:108,280,980, T>A. VCF-style: chr11-108280980-T-A. GRCh37 (hg19) VCF-style: chr11-108151707-T-A.
Other names: c.3403-15T>A (NM_001351834.2).
Identifiers: ClinVar variation 136441 (VCV000136441.30), dbSNP rs79701258, ClinGen allele CA289560.
Genomic context (GRCh38, chr11:108,280,980, plus strand): 5'-TTCAGTTGGGATTTTATAATTGATTGTTAAACATTTACATTTTACATTACATTTTTTTTT[T>A]AATTTCTTTTTAAGTCCCATAGTGCTGAGAACCCTGAAACTTTGGATGAAATTTATAATA-3'

ClinVar aggregate classification (germline): Benign/Likely benign. Review status: criteria provided, multiple submitters, no conflicts (2 of 4 stars). 19 submissions from 19 submitters: Benign (10); Likely benign (3). 6 of the submissions do not count toward it. Last evaluated 2025-07-10.

Conditions:
Breast and/or ovarian cancer. Identifiers: MedGen CN221562.
Hereditary cancer-predisposing syndrome. Also called: Tumor predisposition; Neoplastic Syndromes, Hereditary; Hereditary neoplastic syndrome; Hereditary Cancer Syndrome. Identifiers: Orphanet 140162, MedGen C0027672, MeSH D009386, MONDO:0015356.
Ataxia-telangiectasia syndrome (AT). Also called: ATAXIA-TELANGIECTASIA, COMPLEMENTATION GROUP A; ATAXIA-TELANGIECTASIA, FRESNO VARIANT; Ataxia-telangiectasia; Cerebello-oculocutaneous telangiectasia; Immunodeficiency with ataxia telangiectasia; Ataxia telangiectasia (A-T). Identifiers: Orphanet 100, MedGen C0004135, MONDO:0008840, OMIM 208900.
Familial cancer of breast. Also called: hereditary breast carcinoma; BREAST CANCER, FAMILIAL; Hereditary breast cancer. Identifiers: Orphanet 227535, MedGen C0346153, MONDO:0016419, OMIM 114480. Disease mechanism: loss of function.
Malignant tumor of breast. Also called: Cancer breast; Malignant breast neoplasm. Identifiers: MedGen C0006142, MONDO:0007254. Disease mechanism: loss of function.

Allele frequency attached by ClinVar (database versions not stated): gnomAD exomes 0.00956; ExAC 0.01228; gnomAD 0.02975 and 0.02833.

Submissions (31):

GeneKor MSA
Classification: Benign for Hereditary cancer-predisposing syndrome. Last evaluated: 2025-07-10. Review status: criteria provided, single submitter. Criteria: ACMG Guidelines, 2015. Collection method: clinical testing. Allele origin: germline.

Center for Genomic Medicine, Rigshospitalet, Copenhagen University Hospital
Classification: Benign. Last evaluated: 2025-03-04. Review status: criteria provided, single submitter. Criteria: ACMG Guidelines, 2015. Collection method: clinical testing. Allele origin: germline.

ARUP Laboratories, Molecular Genetics and Genomics, ARUP Laboratories
Classification: Benign. Last evaluated: 2024-02-05. Review status: criteria provided, single submitter. Criteria: ARUP Molecular Germline Variant Investigation Process 2024. Collection method: clinical testing. Allele origin: germline.

Unidad de Genómica Garrahan, Hospital de Pediatría Garrahan
Classification: Benign. Last evaluated: 2023-11-12. Review status: criteria provided, single submitter. Criteria: ACMG Guidelines, 2015. Collection method: clinical testing. Allele origin: germline. Affected: no. Observed: 22 variant alleles.
Comment: This variant is classified as Benign based on local population frequency. This variant was detected in 23% of patients studied by a panel of primary immunodeficiencies. Number of patients: 22. Only high quality variants are reported.

KCCC/NGS Laboratory, Kuwait Cancer Control Center
Classification: Benign for Familial cancer of breast. Last evaluated: 2023-07-07. Review status: criteria provided, single submitter. Criteria: ACMG Guidelines, 2015. Collection method: clinical testing. Allele origin: germline. Affected: yes.

Genome-Nilou Lab
Classification: Benign for Ataxia-telangiectasia syndrome. Last evaluated: 2021-07-01. Review status: criteria provided, single submitter. Criteria: ACMG Guidelines, 2015. Collection method: clinical testing. Allele origin: germline. Affected: no.

CHEO Genetics Diagnostic Laboratory, Children's Hospital of Eastern Ontario
Classification: Benign for Breast and/or ovarian cancer. Last evaluated: 2021-04-22. Review status: criteria provided, single submitter. Criteria: ACMG Guidelines, 2015. Collection method: clinical testing. Allele origin: germline.

Illumina Laboratory Services, Illumina
Classification: Likely benign for Ataxia-telangiectasia syndrome. Last evaluated: 2017-04-27. Review status: criteria provided, single submitter. Criteria: ICSL Variant Classification Criteria 13 December 2019. Collection method: clinical testing. Allele origin: germline.
Comment: This variant was observed as part of a predisposition screen in an ostensibly healthy population. A literature search was performed for the gene, cDNA change, and amino acid change (where applicable). No publications were found based on this search. Allele frequency data from public databases allowed determination this variant is unlikely to cause disease. Therefore, this variant is classified as likely benign.

Color Diagnostics, LLC DBA Color Health
Classification: Benign for Hereditary cancer-predisposing syndrome. Last evaluated: 2015-04-08. Review status: criteria provided, single submitter. Criteria: ACMG Guidelines, 2015. Collection method: clinical testing. Allele origin: germline.

Genome Diagnostics Laboratory, University Medical Center Utrecht
Classification: Likely benign for Ataxia-telangiectasia syndrome. Last evaluated: 2014-10-09. Review status: criteria provided, single submitter. Criteria: ACGS Guidelines, 2013. Collection method: clinical testing. Allele origin: germline. Affected: yes. Study: VKGL Data-share Consensus.

Ambry Genetics
Classification: Benign for Hereditary cancer-predisposing syndrome. Last evaluated: 2014-07-13. Review status: criteria provided, single submitter. Criteria: Ambry Variant Classification Scheme 2023. Collection method: clinical testing. Allele origin: germline.

GeneDx
Classification: Benign. Last evaluated: 2014-01-29. Review status: criteria provided, single submitter. Criteria: GeneDx Variant Classification (06012015). Collection method: clinical testing. Allele origin: germline. Affected: yes.
Comment: This variant is considered likely benign or benign based on one or more of the following criteria: it is a conservative change, it occurs at a poorly conserved position in the protein, it is predicted to be benign by multiple in silico algorithms, and/or has population frequency not consistent with disease.

Breakthrough Genomics
Classification: Likely benign. Review status: criteria provided, single submitter. Criteria: ACMG Guidelines, 2015. Collection method: not provided. Allele origin: germline. Inheritance: Autosomal recessive inheritance. Affected: yes.

Natera, Inc.
Classification: Benign for Ataxia-telangiectasia. Last evaluated: 2020-09-16. Review status: no assertion criteria provided. Collection method: clinical testing. Allele origin: germline. Not counted in ClinVar's aggregate classification.

Genome Diagnostics Laboratory, Amsterdam University Medical Center
Classification: Benign for Ataxia-telangiectasia syndrome. Last evaluated: 2017-09-27. Review status: no assertion criteria provided. Criteria: ACGS Guidelines, 2013. Collection method: clinical testing. Allele origin: germline. Affected: yes. Study: VKGL Data-share Consensus. Not counted in ClinVar's aggregate classification.

Clinical Genetics Laboratory, Department of Pathology, Netherlands Cancer Institute
Classification: Benign. Review status: no assertion criteria provided. Collection method: clinical testing. Allele origin: germline. Affected: yes. Study: VKGL Data-share Consensus. Not counted in ClinVar's aggregate classification.

Clinical Genetics, Academic Medical Center
Classification: Benign. Review status: no assertion criteria provided. Collection method: clinical testing. Allele origin: germline. Affected: yes. Study: VKGL Data-share Consensus. Not counted in ClinVar's aggregate classification.

Department of Pathology and Laboratory Medicine, Sinai Health System
Classification: Benign for Malignant tumor of breast. Review status: no assertion criteria provided. Collection method: clinical testing. Allele origin: unknown. Affected: yes. Study: The Canadian Open Genetics Repository (COGR). Not counted in ClinVar's aggregate classification.
Comment: The ATM c.3403-15T>A variant was not identified in the literature nor was it identified in the Cosmic, MutDB, databases. The variant was identified in dbSBP (ID: rs79701258) as â€šÃ„ÃºWith Likely benign allele,â€šÃ„Ã¹ ClinVar (as likely benign by Ilumina and as benign by GeneDx and Color Genomics), Clinvitae, and ATM-LOVD databases. The variant was identified in control databases in 3007 of 258930 chromosomes at a frequency of 0.011613 increasing the likelihood this could be a low frequency benign variant (Genome Aggregation Consortium Feb 27, 2017). The variant was identified in the African population at a frequency greater than 1% in 2265 (109 homozygous) of 23444 chromosomes (freq: 0.097), and at lower frequencies in the following populations: Other in 29 of 5964 chromosomes (freq. 0.005), Latino in 198 (1 homozygous) of 31316 chromosomes (freq. 0.006), European (Non-Finnish) in 104 of 119980 chromosomes (freq. 0.0009), Ashkenazi Jewish in 1 of 9232 chromosomes (freq. 0.0001), East Asian in 158 of 18072 (freq. 0.0087), European (Finnish) in 8 of 24280 chromosomes (freq. 0.0003) and South Asian in 244 (1 homozygous) of 26642 chromosomes (freq. 0.009), increasing the likelihood this could be a low frequency benign variant. The variant occurs outside of the splicing consensus sequence and in silico or computational prediction software programs (SpliceSiteFinder, MaxEntScan, NNSPLICE, GeneSplicer, HumanSpliceFinder) do not predict a difference in splicing. In summary, based on the above information this variant meets our laboratory's criteria to be classified as benign.

Dr. Peter K. Rogan Lab, Western University
No classification provided (evidence only). Condition: Lung cancer. Review status: no classification provided. Collection method: in vitro. Allele origin: not applicable. Functional consequence: retained intron. Not counted in ClinVar's aggregate classification.

Dr. Peter K. Rogan Lab, Western University
No classification provided (evidence only). Condition: Lung cancer. Review status: no classification provided. Collection method: in vitro. Allele origin: not applicable. Functional consequence: retained intron. Not counted in ClinVar's aggregate classification.

Dr. Peter K. Rogan Lab, Western University
No classification provided (evidence only). Condition: Acute myeloid leukemia. Review status: no classification provided. Collection method: in vitro. Allele origin: not applicable. Functional consequence: retained intron. Not counted in ClinVar's aggregate classification.

Dr. Peter K. Rogan Lab, Western University
No classification provided (evidence only). Condition: Acute myeloid leukemia. Review status: no classification provided. Collection method: in vitro. Allele origin: not applicable. Functional consequence: retained intron. Not counted in ClinVar's aggregate classification.

Dr. Peter K. Rogan Lab, Western University
No classification provided (evidence only). Condition: Acute myeloid leukemia. Review status: no classification provided. Collection method: in vitro. Allele origin: not applicable. Functional consequence: retained intron. Not counted in ClinVar's aggregate classification.

Dr. Peter K. Rogan Lab, Western University
No classification provided (evidence only). Condition: Acute myeloid leukemia. Review status: no classification provided. Collection method: in vitro. Allele origin: not applicable. Functional consequence: retained intron. Not counted in ClinVar's aggregate classification.

Dr. Peter K. Rogan Lab, Western University
No classification provided (evidence only). Condition: Acute myeloid leukemia. Review status: no classification provided. Collection method: in vitro. Allele origin: not applicable. Functional consequence: retained intron. Not counted in ClinVar's aggregate classification.

Dr. Peter K. Rogan Lab, Western University
No classification provided (evidence only). Condition: Acute myeloid leukemia. Review status: no classification provided. Collection method: in vitro. Allele origin: not applicable. Functional consequence: retained intron. Not counted in ClinVar's aggregate classification.

Dr. Peter K. Rogan Lab, Western University
No classification provided (evidence only). Condition: Acute myeloid leukemia. Review status: no classification provided. Collection method: in vitro. Allele origin: not applicable. Functional consequence: retained intron. Not counted in ClinVar's aggregate classification.

Dr. Peter K. Rogan Lab, Western University
No classification provided (evidence only). Condition: Cervical cancer. Review status: no classification provided. Collection method: in vitro. Allele origin: not applicable. Functional consequence: retained intron. Not counted in ClinVar's aggregate classification.

Dr. Peter K. Rogan Lab, Western University
No classification provided (evidence only). Condition: Cholangiocarcinoma. Review status: no classification provided. Collection method: in vitro. Allele origin: not applicable. Functional consequence: retained intron. Not counted in ClinVar's aggregate classification.

Dr. Peter K. Rogan Lab, Western University
No classification provided (evidence only). Condition: Gastric cancer. Review status: no classification provided. Collection method: in vitro. Allele origin: not applicable. Functional consequence: retained intron. Not counted in ClinVar's aggregate classification.

Laboratory of Diagnostic Genome Analysis, Leiden University Medical Center (LUMC)
Classification: Benign. Review status: no assertion criteria provided. Collection method: clinical testing. Allele origin: germline. Affected: yes. Study: VKGL Data-share Consensus. Not counted in ClinVar's aggregate classification.